The following is an entry in ClinVar:

ClinVar aggregate classification (germline): Likely pathogenic (1 of 4 stars; one submission).

Conditions:
Pfeiffer syndrome (ACS5). Also called: ACS V. Identifiers: Orphanet 710, MedGen C0220658, MONDO:0007043, OMIM 101600.
Hypogonadotropic hypogonadism 2 with or without anosmia (HH2). Also called: FGFR1-Related GnRH Deficiency (Kallmann Syndrome 2); HYPOGONADOTROPIC HYPOGONADISM 2 WITHOUT ANOSMIA; HYPOGONADOTROPIC HYPOGONADISM 2 WITH OR WITHOUT ANOSMIA, SUSCEPTIBILITY TO; HYPOGONADOTROPIC HYPOGONADISM 2 WITHOUT ANOSMIA, SUSCEPTIBILITY TO. Identifiers: Orphanet 478, MedGen C1563720, MONDO:0007844, OMIM 147950. Disease mechanism: loss of function.

Submission:

Labcorp Genetics (formerly Invitae), Labcorp
Classification: Likely pathogenic for Pfeiffer syndrome; Hypogonadotropic hypogonadism 2 with or without anosmia. Last evaluated: 2023-10-05. Review status: criteria provided, single submitter. Criteria: Invitae Variant Classification Sherloc (09022015). Collection method: clinical testing. Allele origin: germline.
Comment: This sequence change replaces cysteine, which is neutral and slightly polar, with glycine, which is neutral and non-polar, at codon 178 of the FGFR1 protein (p.Cys178Gly). This variant is not present in population databases (gnomAD no frequency). This variant has not been reported in the literature in individuals affected with FGFR1-related conditions. Advanced modeling of protein sequence and biophysical properties (such as structural, functional, and spatial information, amino acid conservation, physicochemical variation, residue mobility, and thermodynamic stability) performed at Invitae indicates that this missense variant is expected to disrupt FGFR1 protein function. This variant disrupts the p.Cys178 amino acid residue in FGFR1. Other variant(s) that disrupt this residue have been determined to be pathogenic (PMID: 16757108, 27596331). This suggests that this residue is clinically significant, and that variants that disrupt this residue are likely to be disease-causing. In summary, the currently available evidence indicates that the variant is pathogenic, but additional data are needed to prove that conclusively. Therefore, this variant has been classified as Likely Pathogenic.

Literature cited by the submitters: PubMed 16757108; PubMed 27596331.

NM_023110.3(FGFR1):c.532T>G (p.Cys178Gly)

Gene: FGFR1 (fibroblast growth factor receptor 1; minus strand). Cytogenetic location: 8p11.23.
Variant type: single nucleotide variant.
Coding change: c.532T>G on transcript NM_023110.3 (MANE Select); coding-DNA position 532, T replaced by G.
Protein change: p.Cys178Gly; replaces cysteine 178 with glycine.
Molecular consequence: missense variant.
Genome position (GRCh38, 1-based): chr8:38,428,010, A>C on the plus strand (T>G on the coding strand, the complement: FGFR1 is on the minus strand). VCF-style: chr8-38428010-A-C. GRCh37 (hg19) VCF-style: chr8-38285528-A-C.
Other names: c.532T>G, p.Cys178Gly (NM_000604.2, NM_001174063.2); c.508T>G, p.Cys170Gly (NM_001174064.2); c.526T>G, p.Cys176Gly (NM_001174065.2, NM_001354367.2, NM_001354369.2 and 2 more transcripts); c.265T>G, p.Cys89Gly (NM_001174066.2, NM_023105.3); c.625T>G, p.Cys209Gly (NM_001174067.2); c.259T>G, p.Cys87Gly (NM_001354368.2, NM_001354370.2, NM_023106.3); short protein forms C170G, C209G, C87G, C89G, C178G, C176G.
Identifiers: ClinVar variation 2952541 (VCV002952541.3), dbSNP rs2150914598, ClinGen allele CA370735696.